The following is an entry in ClinVar:

NM_006509.4(RELB):c.224C>G (p.Pro75Arg)

Gene: RELB (RELB proto-oncogene, NF-kB subunit; plus strand). Cytogenetic location: 19q13.32.
Variant type: single nucleotide variant.
Coding change: c.224C>G on transcript NM_006509.4 (MANE Select); coding-DNA position 224, C replaced by G.
Protein change: p.Pro75Arg; replaces proline 75 with arginine.
Molecular consequence: missense variant.
Genome position (GRCh38, 1-based): chr19:45,011,996, C>G. VCF-style: chr19-45011996-C-G. GRCh37 (hg19) VCF-style: chr19-45515254-C-G.
Other names: c.224C>G (NM_006509.3); c.215C>G, p.Pro72Arg (NM_001411087.1); short protein forms P72R, P75R.
Identifiers: ClinVar variation 2078609 (VCV002078609.6), dbSNP rs750262320, ClinGen allele CA9507516.

ClinVar aggregate classification (germline): Uncertain significance. Review status: criteria provided, multiple submitters, no conflicts (2 of 4 stars). 2 submissions from 2 submitters: Uncertain significance (2). Last evaluated 2025-07-21.

Allele frequency attached by ClinVar (database versions not stated): gnomAD 0.00003; ExAC 0.00004; 1000 Genomes Project 30x 0.00031.
gnomAD v4.1: 19 of 1,573,302 alleles (0.0012%); highest among the groups gnomAD compares: East Asian, 0.036%; no homozygotes.

Submissions (2):

Labcorp Genetics (formerly Invitae), Labcorp
Classification: Uncertain significance. Last evaluated: 2025-07-21. Review status: criteria provided, single submitter. Criteria: Invitae Variant Classification Sherloc (09022015). Collection method: clinical testing. Allele origin: germline.
Comment: This sequence change replaces proline, which is neutral and non-polar, with arginine, which is basic and polar, at codon 75 of the RELB protein (p.Pro75Arg). This variant is present in population databases (rs750262320, gnomAD 0.06%). This variant has not been reported in the literature in individuals affected with RELB-related conditions. ClinVar contains an entry for this variant (Variation ID: 2078609). An algorithm developed to predict the effect of missense changes on protein structure and function (PolyPhen-2) suggests that this variant is likely to be tolerated. In summary, the available evidence is currently insufficient to determine the role of this variant in disease. Therefore, it has been classified as a Variant of Uncertain Significance.

Ambry Genetics
Classification: Uncertain significance. Last evaluated: 2023-08-02. Review status: criteria provided, single submitter. Criteria: Ambry Variant Classification Scheme 2023. Collection method: clinical testing. Allele origin: germline.